The following is an entry in ClinVar:

ClinVar aggregate classification (germline): Pathogenic (1 of 4 stars; one submission).

Conditions:
Familial adenomatous polyposis 1 (FAP1). Also called: FAMILIAL ADENOMATOUS POLYPOSIS 1, ATTENUATED; POLYPOSIS, ADENOMATOUS INTESTINAL. Identifiers: MedGen C2713442, MONDO:0021056, OMIM 175100. Disease mechanism: loss of function.

Submission:

Myriad Genetics, Inc.
Classification: Pathogenic for Familial adenomatous polyposis 1. Last evaluated: 2023-04-25. Review status: criteria provided, single submitter. Criteria: Myriad Autosomal Dominant, Autosomal Recessive and X-Linked Classification Criteria (2023). Collection method: clinical testing. Allele origin: unknown.
Comment: This variant is considered pathogenic. This variant creates a frameshift predicted to result in premature protein truncation.

NM_000038.6(APC):c.363del (p.Phe123fs)

Gene: APC (APC regulator of Wnt signaling pathway; plus strand). Cytogenetic location: 5q22.2.
Variant type: Deletion.
Coding change: c.363del on transcript NM_000038.6 (MANE Select); coding-DNA position 363, one base deleted (A; older notation c.363delA).
Protein change: p.Phe123fs; shifts the reading frame from phenylalanine 123.
Molecular consequence: frameshift variant. On other transcripts: 5 prime UTR variant (4), non-coding transcript variant (2).
Genome position (GRCh38, 1-based): chr5:112,767,331, A deleted. VCF-style (leftmost placement, unchanged base first): chr5-112767330-GA-G. GRCh37 (hg19) VCF-style: chr5-112103027-GA-G.
Other names: c.363del, p.Phe123fs (NM_001127510.3, NM_001354895.2, NM_001354896.2 and 16 more transcripts); c.393del, p.Phe133fs (NM_001127511.3, NM_001354897.2, NM_001354902.2 and 1 more transcripts); c.288del, p.Phe98fs (NM_001354898.2, NM_001354904.2, NM_001407451.1); c.186del, p.Phe64fs (NM_001354900.2, NM_001354901.2, NM_001354905.2 and 1 more transcripts); c.-673del (NM_001354906.2, NM_001407470.1, NM_001407471.1 and 1 more transcripts); short protein forms F123fs, F133fs, F64fs, F98fs.
Identifiers: ClinVar variation 2584123 (VCV002584123.2), dbSNP rs2532299822, ClinGen allele CA2582341301.